The following is an entry in ClinVar:

NM_020810.3(TRMT5):c.44G>C (p.Arg15Thr)

Gene: TRMT5 (tRNA methyltransferase 5; minus strand). Cytogenetic location: 14q23.1.
Variant type: single nucleotide variant.
Coding change: c.44G>C on transcript NM_020810.3 (MANE Select); coding-DNA position 44, G replaced by C.
Protein change: p.Arg15Thr; replaces arginine 15 with threonine.
Molecular consequence: missense variant.
Genome position (GRCh38, 1-based): chr14:60,979,854, C>G on the plus strand (G>C on the coding strand, the complement: TRMT5 is on the minus strand). VCF-style: chr14-60979854-C-G. GRCh37 (hg19) VCF-style: chr14-61446572-C-G.
Other names: c.128G>C, p.Arg43Thr (NM_001350253.1); c.125G>C, p.Arg42Thr (NM_001350254.1); c.44G>C (NM_020810.2); short protein forms R43T, R15T, R42T.
Identifiers: ClinVar variation 1937067 (VCV001937067.4), dbSNP rs1414961708, ClinGen allele CA389921772.

ClinVar aggregate classification (germline): Uncertain significance. Review status: criteria provided, multiple submitters, no conflicts (2 of 4 stars). 2 submissions from 2 submitters: Uncertain significance (2). Last evaluated 2025-05-19.

Conditions:
Inborn genetic diseases. Identifiers: MedGen C0950123, MeSH D030342.

Allele frequency attached by ClinVar (database versions not stated): gnomAD 0.00003.
gnomAD v4.1: 10 of 1,585,862 alleles (0.00063%); highest among the groups gnomAD compares: Non-Finnish European, 0.00077%; no homozygotes.

Submissions (2):

Ambry Genetics
Classification: Uncertain significance for Inborn genetic diseases. Last evaluated: 2025-05-19. Review status: criteria provided, single submitter. Criteria: Ambry Variant Classification Scheme 2023. Collection method: clinical testing. Allele origin: germline.

Labcorp Genetics (formerly Invitae), Labcorp
Classification: Uncertain significance. Last evaluated: 2022-04-12. Review status: criteria provided, single submitter. Criteria: Invitae Variant Classification Sherloc (09022015). Collection method: clinical testing. Allele origin: germline.
Comment: In summary, the available evidence is currently insufficient to determine the role of this variant in disease. Therefore, it has been classified as a Variant of Uncertain Significance. This sequence change replaces arginine, which is basic and polar, with threonine, which is neutral and polar, at codon 15 of the TRMT5 protein (p.Arg15Thr). This variant is present in population databases (no rsID available, gnomAD 0.0009%). This variant has not been reported in the literature in individuals affected with TRMT5-related conditions. Algorithms developed to predict the effect of missense changes on protein structure and function (SIFT, PolyPhen-2, Align-GVGD) all suggest that this variant is likely to be tolerated.